The following is an entry in ClinVar:

NM_005431.2(XRCC2):c.16_17insGAA (p.His6delinsArgAsn)

Gene: XRCC2 (X-ray repair cross complementing 2; minus strand). Cytogenetic location: 7q36.1.
Variant type: Insertion.
Coding change: c.16_17insGAA on transcript NM_005431.2 (MANE Select); coding-DNA positions 16 to 17, GAA inserted.
Protein change: p.His6delinsArgAsn.
Molecular consequence: inframe indel.
Genome position: GRCh38 VCF-style: chr7-152676063-T-TTTC. GRCh37 (hg19) VCF-style: chr7-152373148-T-TTTC.
Identifiers: ClinVar variation 420215 (VCV000420215.2), dbSNP rs1064794354, ClinGen allele CA16618440.

ClinVar aggregate classification (germline): Uncertain significance (1 of 4 stars; one submission).

Submission:

GeneDx
Classification: Uncertain significance. Last evaluated: 2015-11-30. Review status: criteria provided, single submitter. Criteria: GeneDx Variant Classification (06012015). Collection method: clinical testing. Allele origin: germline. Affected: yes.
Comment: This insertion of 3 nucleotides in XRCC2 is denoted c.16_17insGAA at the cDNA level and p.His6delinsArgAsn (H6delinsRN) at the protein level. The normal sequence, with the bases that are inserted in braces, is TTCC[GAA]ATAG. This insertion results in the loss of a single Histidine residue and the addition of an Arginine and an Asparagine residue. The naturally occurring Histidine occurs at a position that is not conserved across species and is not located in a known functional domain (O'Regan 2001, Kim 2011, Miller 2004). This variant has not, to our knowledge, been published in the literature as pathogenic or benign. We consider XRCC2 His6delinsArgAsn to be a variant of uncertain significance.